The following is an entry in ClinVar:

ClinVar aggregate classification (germline): Likely benign (1 of 4 stars; one submission).

Allele frequency attached by ClinVar (database versions not stated): gnomAD exomes 0.00060; ExAC 0.00131; ESP Exome Variant Server 0.00173; 1000 Genomes Project 0.00260; gnomAD 0.00264 and 0.00286; 1000 Genomes Project 30x 0.00265; TOPMed 0.00316.
gnomAD v4.1: 757 of 1,565,666 alleles (0.048%); highest among the groups gnomAD compares: African/African-American, 0.93%; 9 homozygotes.

Submission:

GeneDx
Classification: Likely benign. Last evaluated: 2017-11-14. Review status: criteria provided, single submitter. Criteria: GeneDx Variant Classification (06012015). Collection method: clinical testing. Allele origin: germline. Affected: yes.
Comment: This variant is considered likely benign or benign based on one or more of the following criteria: it is a conservative change, it occurs at a poorly conserved position in the protein, it is predicted to be benign by multiple in silico algorithms, and/or has population frequency not consistent with disease.

NM_018341.3(ERMARD):c.-13G>C

Gene: ERMARD (ER membrane associated RNA degradation; plus strand). Cytogenetic location: 6q27.
Variant type: single nucleotide variant.
Coding change: c.-13G>C on transcript NM_018341.3 (MANE Select); 13 bases upstream of the start codon, G replaced by C.
Molecular consequence: 5 prime UTR variant.
Genome position (GRCh38, 1-based): chr6:169,751,645, G>C. VCF-style: chr6-169751645-G-C. GRCh37 (hg19) VCF-style: chr6-170151741-G-C.
Other names: c.-13G>C (NM_001278531.2, NM_001278533.2); c.-222G>C (NM_001278532.2).
Identifiers: ClinVar variation 384877 (VCV000384877.1), dbSNP rs182293452, ClinGen allele CA4105678.